The following is an entry in ClinVar:

ClinVar aggregate classification (germline): Uncertain significance (1 of 4 stars; one submission).

Allele frequency attached by ClinVar (database versions not stated): gnomAD exomes below 0.00001; ExAC 0.00001.

Submission:

Labcorp Genetics (formerly Invitae), Labcorp
Classification: Uncertain significance. Last evaluated: 2021-09-03. Review status: criteria provided, single submitter. Criteria: Invitae Variant Classification Sherloc (09022015). Collection method: clinical testing. Allele origin: germline.
Comment: This variant has not been reported in the literature in individuals affected with SAMD11-related conditions. This variant is present in population databases (rs764593311, ExAC 0.009%). This sequence change replaces leucine with arginine at codon 214 of the SAMD11 protein (p.Leu214Arg). The leucine residue is moderately conserved and there is a moderate physicochemical difference between leucine and arginine. Algorithms developed to predict the effect of missense changes on protein structure and function are either unavailable or do not agree on the potential impact of this missense change (SIFT: "Deleterious"; PolyPhen-2: "Possibly Damaging"; Align-GVGD: "Class C0"). In summary, the available evidence is currently insufficient to determine the role of this variant in disease. Therefore, it has been classified as a Variant of Uncertain Significance.

NM_001385641.1(SAMD11):c.1178T>G (p.Leu393Arg)

Gene: SAMD11 (sterile alpha motif domain containing 11; plus strand). Cytogenetic location: 1p36.33.
Variant type: single nucleotide variant.
Coding change: c.1178T>G on transcript NM_001385641.1 (MANE Select); coding-DNA position 1178, T replaced by G.
Protein change: p.Leu393Arg; replaces leucine 393 with arginine.
Molecular consequence: missense variant.
Genome position (GRCh38, 1-based): chr1:939,395, T>G. VCF-style: chr1-939395-T-G. GRCh37 (hg19) VCF-style: chr1-874775-T-G.
Other names: c.1181T>G, p.Leu394Arg (NM_001385640.1); c.641T>G, p.Leu214Arg (NM_152486.4); short protein forms L214R, L393R, L394R.
Identifiers: ClinVar variation 1502157 (VCV001502157.6), dbSNP rs764593311, ClinGen allele CA502732.